The following is an entry in ClinVar:

ClinVar aggregate classification (germline): Uncertain significance (1 of 4 stars; one submission).

Submission:

GeneDx
Classification: Uncertain significance. Last evaluated: 2025-02-19. Review status: criteria provided, single submitter. Criteria: GeneDx Variant Classification Process June 2021. Collection method: clinical testing. Allele origin: germline. Affected: yes.
Comment: Not observed at significant frequency in large population cohorts (gnomAD); In silico analysis supports that this missense variant has a deleterious effect on protein structure/function; Has not been previously published as pathogenic or benign to our knowledge

NM_006940.6(SOX5):c.835A>G (p.Met279Val)

Gene: SOX5 (SRY-box transcription factor 5; minus strand). Cytogenetic location: 12p12.1.
Variant type: single nucleotide variant.
Coding change: c.835A>G on transcript NM_006940.6 (MANE Select); coding-DNA position 835, A replaced by G.
Protein change: p.Met279Val; replaces methionine 279 with valine.
Molecular consequence: missense variant.
Genome position (GRCh38, 1-based): chr12:23,665,540, T>C on the plus strand (A>G on the coding strand, the complement: SOX5 is on the minus strand). VCF-style: chr12-23665540-T-C. GRCh37 (hg19) VCF-style: chr12-23818474-T-C.
Other names: c.796A>G, p.Met266Val (NM_001261414.3, NM_152989.5); c.805A>G, p.Met269Val (NM_001261415.3); c.730A>G, p.Met244Val (NM_001330785.2); short protein forms M244V, M266V, M269V, M279V.
Identifiers: ClinVar variation 4076843 (VCV004076843.1).